The following is an entry in ClinVar:

NM_001377540.1(SLMAP):c.1334C>T (p.Ala445Val)

Gene: SLMAP (sarcolemma associated protein; plus strand). Cytogenetic location: 3p14.3.
Variant type: single nucleotide variant.
Coding change: c.1334C>T on transcript NM_001377540.1 (MANE Select); coding-DNA position 1334, C replaced by T.
Protein change: p.Ala445Val; replaces alanine 445 with valine.
Molecular consequence: missense variant. On other transcripts: 5 prime UTR variant (7), non-coding transcript variant (1).
Genome position (GRCh38, 1-based): chr3:57,890,074, C>T. VCF-style: chr3-57890074-C-T. GRCh37 (hg19) VCF-style: chr3-57875801-C-T.
Other names: c.1283C>T, p.Ala428Val (NM_001304420.3, NM_001377541.1, NM_001377542.1 and 2 more transcripts); c.1169C>T, p.Ala390Val (NM_001304421.2, NM_001377557.1, NM_001377559.1 and 1 more transcripts); c.-116C>T (NM_001304422.3, NM_001304423.3, NM_001311178.2 and 4 more transcripts); c.1334C>T, p.Ala445Val (NM_001377538.1, NM_001377539.1, NM_001377555.1); c.1271C>T, p.Ala424Val (NM_001377545.1, NM_001377922.1); c.1232C>T, p.Ala411Val (NM_001377549.1, NM_001377923.1, NM_007159.5); c.1220C>T, p.Ala407Val (NM_001377551.1, NM_001377552.1, NM_001377924.1); short protein forms A407V, A390V, A424V, A411V, A428V, A445V.
Identifiers: ClinVar variation 1446919 (VCV001446919.10), dbSNP rs757740736, ClinGen allele CA2467101.

ClinVar aggregate classification (germline): Conflicting classifications of pathogenicity. Review status: criteria provided, conflicting classifications (1 of 4 stars). 2 submissions from 2 submitters: Uncertain significance (1); Likely benign (1). Last evaluated 2024-12-06.

Conditions:
Brugada syndrome. Also called: Sudden Unexplained Death Syndrome; Sudden Unexplained Nocturnal Death Syndrome (SUNDS); Sudden unexpected nocturnal death syndrome; Sudden unexplained nocturnal death syndrome. Identifiers: Orphanet 130, MedGen C1142166, MONDO:0015263.

Allele frequency attached by ClinVar (database versions not stated): gnomAD 0.00001; ExAC 0.00002; gnomAD exomes 0.00002.
gnomAD v4.1: 31 of 1,613,758 alleles (0.0019%); highest among the groups gnomAD compares: African/African-American, 0.0067%; no homozygotes.

Submissions (2):

Labcorp Genetics (formerly Invitae), Labcorp
Classification: Uncertain significance for Brugada syndrome. Last evaluated: 2024-12-06. Review status: criteria provided, single submitter. Criteria: Invitae Variant Classification Sherloc (09022015). Collection method: clinical testing. Allele origin: germline.
Comment: This sequence change replaces alanine, which is neutral and non-polar, with valine, which is neutral and non-polar, at codon 411 of the SLMAP protein (p.Ala411Val). This variant is present in population databases (rs757740736, gnomAD 0.007%). This variant has not been reported in the literature in individuals affected with SLMAP-related conditions. ClinVar contains an entry for this variant (Variation ID: 1446919). An algorithm developed to predict the effect of missense changes on protein structure and function outputs the following: PolyPhen-2: "Benign". The valine amino acid residue is found in multiple mammalian species, which suggests that this missense change does not adversely affect protein function. In summary, the available evidence is currently insufficient to determine the role of this variant in disease. Therefore, it has been classified as a Variant of Uncertain Significance.

Ambry Genetics
Classification: Likely benign. Last evaluated: 2021-11-19. Review status: criteria provided, single submitter. Criteria: Ambry Variant Classification Scheme 2023. Collection method: clinical testing. Allele origin: germline.